The following is an entry in ClinVar:

ClinVar aggregate classification (germline): Uncertain significance (1 of 4 stars; one submission).

Submission:

Labcorp Genetics (formerly Invitae), Labcorp
Classification: Uncertain significance. Last evaluated: 2022-05-17. Review status: criteria provided, single submitter. Criteria: Invitae Variant Classification Sherloc (09022015). Collection method: clinical testing. Allele origin: germline.
Comment: This variant is not present in population databases (gnomAD no frequency). In summary, the available evidence is currently insufficient to determine the role of this variant in disease. Therefore, it has been classified as a Variant of Uncertain Significance. Advanced modeling of protein sequence and biophysical properties (such as structural, functional, and spatial information, amino acid conservation, physicochemical variation, residue mobility, and thermodynamic stability) performed at Invitae indicates that this missense variant is expected to disrupt POC1B protein function. This variant has not been reported in the literature in individuals affected with POC1B-related conditions. This sequence change replaces aspartic acid, which is acidic and polar, with tyrosine, which is neutral and polar, at codon 113 of the POC1B protein (p.Asp113Tyr).

NM_172240.3(POC1B):c.337G>T (p.Asp113Tyr)

Genes: POC1B (POC1 centriolar protein B; minus strand), POC1B-DUSP6 (POC1B-DUSP6 readthrough; minus strand). Cytogenetic location: 12q21.33.
Variant type: single nucleotide variant.
Coding change: c.337G>T on transcript NM_172240.3 (MANE Select); coding-DNA position 337, G replaced by T.
Protein change: p.Asp113Tyr; replaces aspartic acid 113 with tyrosine.
Molecular consequence: missense variant. On other transcripts: non-coding transcript variant (2).
Genome position (GRCh38, 1-based): chr12:89,492,051, C>A on the plus strand (G>T on the coding strand, the complement: POC1B is on the minus strand). VCF-style: chr12-89492051-C-A. GRCh37 (hg19) VCF-style: chr12-89885828-C-A.
Other names: c.211G>T, p.Asp71Tyr (NM_001199777.2); short protein forms D113Y, D71Y.
Identifiers: ClinVar variation 1995646 (VCV001995646.4), dbSNP rs2540477840, ClinGen allele CA385991858.